The following is an entry in ClinVar:

7q22-q31.33, 22 Mb deletion

Gene: FOXP2 (forkhead box P2; plus strand). Cytogenetic location: 7q31.1.
Variant type: Deletion.
Identifiers: ClinVar variation 242971 (VCV000242971.1).

ClinVar aggregate classification (germline): Pathogenic (0 of 4 stars; one submission).

Conditions:
Childhood apraxia of speech (SPCH1). Also called: Speech language disorder; DEVELOPMENTAL VERBAL DYSPRAXIA; SPEECH AND LANGUAGE DISORDER WITH OROFACIAL DYSPRAXIA; FOXP2-Related Speech and Language Disorder. Identifiers: Orphanet 209908, MedGen C0750927, MONDO:0011184, OMIM 602081.

Submission:

GeneReviews
Classification: Pathogenic for Childhood apraxia of speech. Last evaluated: 2016-03-02. Review status: no assertion criteria provided. Collection method: literature only. Allele origin: germline. Affected: yes. Observed: 1 variant allele.
Comment: Speech: Severe dyspraxia Language: Language delay

Literature cited by the submitters: PubMed 17033973.